The following is an entry in ClinVar:

NM_001903.5(CTNNA1):c.2483C>T (p.Ala828Val)

Gene: CTNNA1 (catenin alpha 1; plus strand). Cytogenetic location: 5q31.2.
Variant type: single nucleotide variant.
Coding change: c.2483C>T on transcript NM_001903.5 (MANE Select); coding-DNA position 2483, C replaced by T.
Protein change: p.Ala828Val; replaces alanine 828 with valine.
Molecular consequence: missense variant. On other transcripts: 3 prime UTR variant (5).
Genome position (GRCh38, 1-based): chr5:138,933,851, C>T. VCF-style: chr5-138933851-C-T. GRCh37 (hg19) VCF-style: chr5-138269540-C-T.
Other names: c.2483C>T, p.Ala828Val (NM_001323984.2, NM_001323982.2, NM_001323983.1); c.2456C>T, p.Ala819Val (NM_001323985.2); c.2390C>T, p.Ala797Val (NM_001323986.2); c.1373C>T, p.Ala458Val (NM_001323987.1, NM_001323988.1, NM_001323989.1 and 12 more transcripts); c.1238C>T, p.Ala413Val (NM_001324001.1); c.*28C>T (NM_001324002.1, NM_001324003.1, NM_001324004.1 and 2 more transcripts); c.1034C>T, p.Ala345Val (NM_001324006.1, NM_001324007.1, NM_001324008.1 and 2 more transcripts); c.1280C>T, p.Ala427Val (NM_001324011.1); and 3 more; short protein forms A345V, A458V, A819V, A725V, A797V, A377V, A427V, A413V.
Identifiers: ClinVar variation 1791954 (VCV001791954.5), dbSNP rs2150358567, ClinGen allele CA361135155.

ClinVar aggregate classification (germline): Uncertain significance. Review status: criteria provided, multiple submitters, no conflicts (2 of 4 stars). 2 submissions from 2 submitters: Uncertain significance (2). Last evaluated 2024-01-19.

Conditions:
Hereditary cancer-predisposing syndrome. Also called: Hereditary Cancer Syndrome; Hereditary neoplastic syndrome; Tumor predisposition; Neoplastic Syndromes, Hereditary. Identifiers: Orphanet 140162, MedGen C0027672, MeSH D009386, MONDO:0015356.

Submissions (2):

Labcorp Genetics (formerly Invitae), Labcorp
Classification: Uncertain significance. Last evaluated: 2024-01-19. Review status: criteria provided, single submitter. Criteria: Invitae Variant Classification Sherloc (09022015). Collection method: clinical testing. Allele origin: germline.
Comment: This sequence change replaces alanine, which is neutral and non-polar, with valine, which is neutral and non-polar, at codon 828 of the CTNNA1 protein (p.Ala828Val). This variant is not present in population databases (gnomAD no frequency). This variant has not been reported in the literature in individuals affected with CTNNA1-related conditions. ClinVar contains an entry for this variant (Variation ID: 1791954). Advanced modeling of protein sequence and biophysical properties (such as structural, functional, and spatial information, amino acid conservation, physicochemical variation, residue mobility, and thermodynamic stability) performed at Invitae indicates that this missense variant is expected to disrupt CTNNA1 protein function with a positive predictive value of 80%. In summary, the available evidence is currently insufficient to determine the role of this variant in disease. Therefore, it has been classified as a Variant of Uncertain Significance.

Ambry Genetics
Classification: Uncertain significance for Hereditary cancer-predisposing syndrome. Last evaluated: 2022-06-11. Review status: criteria provided, single submitter. Criteria: Ambry Variant Classification Scheme 2023. Collection method: clinical testing. Allele origin: germline.
Comment: The p.A828V variant (also known as c.2483C>T), located in coding exon 17 of the CTNNA1 gene, results from a C to T substitution at nucleotide position 2483. The alanine at codon 828 is replaced by valine, an amino acid with similar properties. This amino acid position is conserved. In addition, this alteration is predicted to be tolerated by in silico analysis. Since supporting evidence is limited at this time, the clinical significance of this alteration remains unclear.